The following is an entry in ClinVar:

ClinVar aggregate classification (germline): Pathogenic (1 of 4 stars; one submission).

Submission:

Labcorp Genetics (formerly Invitae), Labcorp
Classification: Pathogenic. Last evaluated: 2020-01-21. Review status: criteria provided, single submitter. Criteria: Invitae Variant Classification Sherloc (09022015). Collection method: clinical testing. Allele origin: germline.
Comment: Loss-of-function variants in FH are known to be pathogenic (PMID: 11865300, 21398687). For these reasons, this variant has been classified as Pathogenic. Deletions of exon 1 have been reported in individuals affected with hereditary leiomyomatosis and renal cell carcinoma (PMID: 18503824, 28196407). This variant is a gross deletion of the genomic region encompassing exon 1 of the FH gene, which includes the initiator codon. The 5' end of this event is unknown as it extends beyond the assayed region for this gene and therefore may encompass additional genes. The 3' boundary is likely confined to intron 1 of the FH gene. This is expected to result in an absent or disrupted protein product.

Literature cited by the submitters: PubMed 11865300; PubMed 21398687; PubMed 18503824; PubMed 28196407.

NC_000001.10:g.(?_241682881)_(241683022_?)del

Gene: FH (fumarate hydratase; minus strand). Cytogenetic location: 1q43.
Variant type: Deletion.
Identifiers: ClinVar variation 1073831 (VCV001073831.45).